The following is an entry in ClinVar:

ClinVar aggregate classification (germline): Uncertain significance. Review status: criteria provided, multiple submitters, no conflicts (2 of 4 stars). 2 submissions from 2 submitters: Uncertain significance (2). Last evaluated 2023-06-21.

Allele frequency attached by ClinVar (database versions not stated): gnomAD exomes 0.00002; TOPMed 0.00002; gnomAD 0.00003.
gnomAD v4.1: 38 of 1,613,828 alleles (0.0024%); highest among the groups gnomAD compares: Non-Finnish European, 0.0032%; no homozygotes.

Submissions (2):

Labcorp Genetics (formerly Invitae), Labcorp
Classification: Uncertain significance. Last evaluated: 2023-06-21. Review status: criteria provided, single submitter. Criteria: Invitae Variant Classification Sherloc (09022015). Collection method: clinical testing. Allele origin: germline.
Comment: This sequence change replaces alanine, which is neutral and non-polar, with serine, which is neutral and polar, at codon 463 of the FZD4 protein (p.Ala463Ser). This variant is present in population databases (no rsID available, gnomAD 0.0009%). This variant has not been reported in the literature in individuals affected with FZD4-related conditions. Advanced modeling of protein sequence and biophysical properties (such as structural, functional, and spatial information, amino acid conservation, physicochemical variation, residue mobility, and thermodynamic stability) performed at Invitae indicates that this missense variant is not expected to disrupt FZD4 protein function. In summary, the available evidence is currently insufficient to determine the role of this variant in disease. Therefore, it has been classified as a Variant of Uncertain Significance.

Blueprint Genetics
Classification: Uncertain significance. Last evaluated: 2023-06-15. Review status: criteria provided, single submitter. Criteria: ACMG Guidelines, 2015. Collection method: clinical testing. Allele origin: germline.

NM_012193.4(FZD4):c.1387G>T (p.Ala463Ser)

Genes: FZD4 (frizzled class receptor 4; minus strand), PRSS23 (serine protease 23; plus strand). Cytogenetic location: 11q14.2.
Variant type: single nucleotide variant.
Coding change: c.1387G>T on transcript NM_012193.4 (MANE Select); coding-DNA position 1387, G replaced by T.
Protein change: p.Ala463Ser; replaces alanine 463 with serine.
Molecular consequence: missense variant. On other transcripts: non-coding transcript variant (2).
Genome position (GRCh38, 1-based): chr11:86,951,369, C>A on the plus strand (G>T on the coding strand, the complement: FZD4 is on the minus strand). VCF-style: chr11-86951369-C-A. GRCh37 (hg19) VCF-style: chr11-86662411-C-A.
Other names: short protein forms A463S.
Identifiers: ClinVar variation 2968903 (VCV002968903.4), dbSNP rs1226945382, ClinGen allele CA382011422.
Genomic context (GRCh38, chr11:86,951,369, plus strand): 5'-TAAAAATTTTCAACATTTCAACAGCCATGTTGGAATCATCTGCAGAATACCGAAAAAGTG[C>A]CCAGTTGGAGATTTCATAAAAATAACAGGCAATCACACACGTTGCAGGAACTGTGTACAG-3'
Protein context (NP_036325.2, residues 453-473): ACYFYEISNW[Ala463Ser]LFRYSADDSN